The following is an entry in ClinVar:

ClinVar aggregate classification (germline): Uncertain significance (1 of 4 stars; one submission).

Submission:

Labcorp Genetics (formerly Invitae), Labcorp
Classification: Uncertain significance. Last evaluated: 2022-10-19. Review status: criteria provided, single submitter. Criteria: Invitae Variant Classification Sherloc (09022015). Collection method: clinical testing. Allele origin: germline.
Comment: In summary, the available evidence is currently insufficient to determine the role of this variant in disease. Therefore, it has been classified as a Variant of Uncertain Significance. Advanced modeling of protein sequence and biophysical properties (such as structural, functional, and spatial information, amino acid conservation, physicochemical variation, residue mobility, and thermodynamic stability) performed at Invitae indicates that this missense variant is not expected to disrupt KAT6A protein function. This sequence change replaces glutamine, which is neutral and polar, with arginine, which is basic and polar, at codon 803 of the KAT6A protein (p.Gln803Arg). This variant is not present in population databases (gnomAD no frequency). This variant has not been reported in the literature in individuals affected with KAT6A-related conditions.

NM_006766.5(KAT6A):c.2408A>G (p.Gln803Arg)

Gene: KAT6A (lysine acetyltransferase 6A; minus strand). Cytogenetic location: 8p11.21.
Variant type: single nucleotide variant.
Coding change: c.2408A>G on transcript NM_006766.5 (MANE Select); coding-DNA position 2408, A replaced by G.
Protein change: p.Gln803Arg; replaces glutamine 803 with arginine.
Molecular consequence: missense variant.
Genome position (GRCh38, 1-based): chr8:41,942,821, T>C on the plus strand (A>G on the coding strand, the complement: KAT6A is on the minus strand). VCF-style: chr8-41942821-T-C. GRCh37 (hg19) VCF-style: chr8-41800339-T-C.
Other names: c.2408A>G, p.Gln803Arg (NM_001305878.2); short protein forms Q803R.
Identifiers: ClinVar variation 1961745 (VCV001961745.5), dbSNP rs1411210387, ClinGen allele CA371072531.
Genomic context (GRCh38, chr8:41,942,821, plus strand): 5'-TCATCAAAAATAGAGACTATTCATGCCCTTACACTGATCTCTAATTCTCTTTCCTGGCAC[T>C]GTGGCTCTTCGTTTTCTCCTTCCTCAGCCTCCTCTTCTTCCTCCTCTGAGACCACAGAGT-3'
Protein context (NP_006757.2, residues 793-813): EAEEGENEEP[Gln803Arg]CQERELEISV